The following is an entry in ClinVar:

ClinVar aggregate classification (germline): Uncertain significance. Review status: criteria provided, multiple submitters, no conflicts (2 of 4 stars). 3 submissions from 3 submitters: Uncertain significance (3). Last evaluated 2025-08-27.

Conditions:
Cardiovascular phenotype. Identifiers: MedGen CN230736.

Submissions (3):

Ambry Genetics
Classification: Uncertain significance for Cardiovascular phenotype. Last evaluated: 2025-08-27. Review status: criteria provided, single submitter. Criteria: Ambry Variant Classification Scheme 2023. Collection method: clinical testing. Allele origin: germline.
Comment: The p.L847P variant (also known as c.2540T>C), located in coding exon 13 of the PKP2 gene, results from a T to C substitution at nucleotide position 2540. The leucine at codon 847 is replaced by proline, an amino acid with similar properties. This variant was reported in individual(s) with features consistent with arrhythmogenic right ventricular cardiomyopathy (Watkins DA et al. Heart Rhythm, 2009 Nov;6:S10-7; Walsh R et al. Genet Med, 2017 Feb;19:192-203). This amino acid position is highly conserved in available vertebrate species. In addition, this alteration is predicted to be deleterious by in silico analysis. Based on the available evidence, the clinical significance of this variant remains unclear.

GeneDx
Classification: Uncertain significance. Last evaluated: 2018-07-25. Review status: criteria provided, single submitter. Criteria: GeneDx Variant Classification (06012015). Collection method: clinical testing. Allele origin: germline. Affected: yes.
Comment: The L847P variant in the PKP2 gene has been reported in at least two individuals in association with ARVC (Watkins et al., 2009; Walsh et al., 2017), although no segregation studies were described. This variant is not observed in large population cohorts (Lek et al., 2016). The L847P variant is a semi-conservative amino acid substitution, which may impact secondary protein structure as these residues differ in some properties. In-silico analyses, including protein predictors and evolutionary conservation, support a deleterious effect. Nevertheless, this variant has not been observed in a significant number of affected individuals, and it lacks both segregation and functional studies which would further clarify its pathogenicity.

Women's Health and Genetics/Laboratory Corporation of America, LabCorp
Classification: Uncertain significance. Last evaluated: 2017-03-27. Review status: criteria provided, single submitter. Criteria: LabCorp Variant Classification Summary - May 2015. Collection method: clinical testing. Allele origin: germline.
Comment: Variant summary: The PKP2 c.2540T>C (p.Leu847Pro) variant involves the alteration of a conserved nucleotide. 4/4 in silico tools predict a damaging outcome for this variant (SNPs&GO not captured due to low reliability index). This variant is absent in 121406 control chromosomes and was reported in an affected individual in the literature, without strong evidence for causality (Watkins_2009). Taken together, until additional clinical and functional data becomes available, this variant is classified as VUS.

Literature cited by the submitters: PubMed 19880068 (cited by Ambry Genetics and Women's Health and Genetics/Laboratory Corporation of America, LabCorp); PubMed 27532257 (cited by Ambry Genetics); PubMed 23911551 (cited by Women's Health and Genetics/Laboratory Corporation of America, LabCorp).

NM_001005242.3(PKP2):c.2408T>C (p.Leu803Pro)

Gene: PKP2 (plakophilin 2; minus strand). Cytogenetic location: 12p11.21.
Variant type: single nucleotide variant.
Coding change: c.2408T>C on transcript NM_001005242.3 (MANE Select); coding-DNA position 2408, T replaced by C.
Protein change: p.Leu803Pro; replaces leucine 803 with proline.
Molecular consequence: missense variant.
Genome position (GRCh38, 1-based): chr12:32,792,681, A>G on the plus strand (T>C on the coding strand, the complement: PKP2 is on the minus strand). VCF-style: chr12-32792681-A-G. GRCh37 (hg19) VCF-style: chr12-32945615-A-G.
Other names: c.2540T>C, p.Leu847Pro (NM_004572.4); short protein forms L847P, L803P.
Identifiers: ClinVar variation 419976 (VCV000419976.3), dbSNP rs1064794215, ClinGen allele CA16619513.